The following is an entry in ClinVar:

ClinVar aggregate classification (germline): Uncertain significance (1 of 4 stars; one submission).

Submission:

Women's Health and Genetics/Laboratory Corporation of America, LabCorp
Classification: Uncertain significance. Last evaluated: 2026-05-07. Review status: criteria provided, single submitter. Criteria: LabCorp Variant Classification Summary - May 2015. Collection method: clinical testing. Allele origin: germline.
Comment: Variant summary: EVC c.2923G>A (p.Glu975Lys) results in a conservative amino acid change in the encoded protein sequence. Algorithms developed to predict the effect of missense changes on protein structure and function all suggest that this variant is likely to be tolerated. The variant was absent in 249900 control chromosomes. The available data on variant occurrences in the general population are insufficient to allow any conclusion about variant significance. To our knowledge, no occurrence of c.2923G>A in individuals affected with EVC-related conditions and no experimental evidence demonstrating its impact on protein function have been reported. No submitters have cited clinical-significance assessments for this variant to ClinVar. Based on the evidence outlined above, the variant was classified as uncertain significance.

NM_153717.3(EVC):c.2923G>A (p.Glu975Lys)

Gene: EVC (EvC ciliary complex subunit 1; plus strand). Cytogenetic location: 4p16.2.
Variant type: single nucleotide variant.
Coding change: c.2923G>A on transcript NM_153717.3 (MANE Select); coding-DNA position 2923, G replaced by A.
Protein change: p.Glu975Lys; replaces glutamic acid 975 with lysine.
Molecular consequence: missense variant.
Genome position (GRCh38, 1-based): chr4:5,810,981, G>A. VCF-style: chr4-5810981-G-A. GRCh37 (hg19) VCF-style: chr4-5812708-G-A.
Other names: c.2920G>A, p.Glu974Lys (NM_001306090.2); short protein forms E974K, E975K.
Identifiers: ClinVar variation 4853464 (VCV004853464.1).
Genomic context (GRCh38, chr4:5,810,981, plus strand): 5'-TCTAACTGGCTGCCTTTCTTCTCTGTTTTAAGCAGCAAAAGGCTGAGTCAGCAAGAAAGT[G>A]AAGCTGGGGACAGTGGGAACTCAAAGAAGATGCTAAAGAGAAGAAGCAACTTGTAGTTTA-3'
Protein context (NP_714928.1, residues 965-985): SSKRLSQQES[Glu975Lys]AGDSGNSKKM